The following is an entry in ClinVar:

NM_004186.5(SEMA3F):c.1721C>T (p.Ser574Phe)

Gene: SEMA3F (semaphorin 3F; plus strand). Cytogenetic location: 3p21.31.
Variant type: single nucleotide variant.
Coding change: c.1721C>T on transcript NM_004186.5 (MANE Select); coding-DNA position 1721, C replaced by T.
Protein change: p.Ser574Phe; replaces serine 574 with phenylalanine.
Molecular consequence: missense variant.
Genome position (GRCh38, 1-based): chr3:50,186,022, C>T. VCF-style: chr3-50186022-C-T. GRCh37 (hg19) VCF-style: chr3-50223455-C-T.
Other names: c.1424C>T, p.Ser475Phe (NM_001318798.2); c.1628C>T, p.Ser543Phe (NM_001318800.2); short protein forms S475F, S543F, S574F.
Identifiers: ClinVar variation 5002166 (VCV005002166.1).

ClinVar aggregate classification (germline): Uncertain significance (1 of 4 stars; one submission).

Conditions:
SEMA3F-related disorder. Also called: SEMA3F-related condition.

gnomAD v4.1: 8 of 1,613,186 alleles (0.0005%); highest among the groups gnomAD compares: Admixed American, 0.0033%; no homozygotes.

Submission:

PreventionGenetics, part of Exact Sciences
Classification: Uncertain significance for SEMA3F-related condition. Last evaluated: 2025-04-18. Review status: criteria provided, single submitter. Criteria: ACMG Guidelines, 2015. Collection method: clinical testing. Allele origin: germline.
Comment: The SEMA3F c.1721C>T variant is predicted to result in the amino acid substitution p.Ser574Phe. To our knowledge, this variant has not been reported in the literature. This variant is reported in 0.0058% of alleles in individuals of Latino descent in gnomAD. At this time, the clinical significance of this variant is uncertain due to the absence of conclusive functional and genetic evidence.